The following is an entry in ClinVar:

ClinVar aggregate classification (germline): Pathogenic. Review status: criteria provided, multiple submitters, no conflicts (2 of 4 stars). 3 submissions from 3 submitters: Pathogenic (3). Last evaluated 2022-03-15.

Conditions:
Neurofibromatosis, type 1 (NF1). Also called: Neurofibromatosis, type I; VON RECKLINGHAUSEN DISEASE; NEUROFIBROMATOSIS, TYPE I, SOMATIC; Peripheral type neurofibromatosis. Identifiers: Orphanet 636, MedGen C0027831, MONDO:0018975, OMIM 162200. Disease mechanism: loss of function.
Hereditary cancer-predisposing syndrome. Also called: Hereditary Cancer Syndrome; Neoplastic Syndromes, Hereditary; Tumor predisposition; Hereditary neoplastic syndrome. Identifiers: Orphanet 140162, MedGen C0027672, MeSH D009386, MONDO:0015356.

Submissions (3):

Genome-Nilou Lab
Classification: Pathogenic for Neurofibromatosis, type 1. Last evaluated: 2022-03-15. Review status: criteria provided, single submitter. Criteria: ACMG Guidelines, 2015. Collection method: clinical testing. Allele origin: germline. Affected: no.

Labcorp Genetics (formerly Invitae), Labcorp
Classification: Pathogenic for Neurofibromatosis, type 1. Last evaluated: 2021-07-24. Review status: criteria provided, single submitter. Criteria: Invitae Variant Classification Sherloc (09022015). Collection method: clinical testing. Allele origin: germline.
Comment: This variant has not been reported in the literature in individuals affected with NF1-related conditions. This variant is not present in population databases (ExAC no frequency). This sequence change creates a premature translational stop signal (p.Glu572Argfs*14) in the NF1 gene. It is expected to result in an absent or disrupted protein product. Loss-of-function variants in NF1 are known to be pathogenic (PMID: 10712197, 23913538). ClinVar contains an entry for this variant (Variation ID: 233017). For these reasons, this variant has been classified as Pathogenic.

Ambry Genetics
Classification: Pathogenic for Hereditary cancer-predisposing syndrome. Last evaluated: 2015-07-18. Review status: criteria provided, single submitter. Criteria: Ambry Autosomal Dominant and X-Linked criteria (10/2015). Collection method: clinical testing. Allele origin: germline. Observed: 1 variant allele.
Comment: The c.1714delG pathogenic mutation, located in coding exon 15 of the NF1 gene, results from a deletion of one nucleotide at position 1714, causing a translational frameshift with a predicted alternate stop codon. Since frameshifts are typically deleterious in nature, this alteration is interpreted as a disease-causing mutation (ACMG Recommendations for Standards for Interpretation and Reporting of Sequence Variations. Revision 2007. Genet Med. 2008;10:294).

Literature cited by the submitters: PubMed 10712197 (cited by Labcorp Genetics (formerly Invitae), Labcorp); PubMed 23913538 (cited by Labcorp Genetics (formerly Invitae), Labcorp).

NM_001042492.3(NF1):c.1714del (p.Glu572fs)

Gene: NF1 (neurofibromin 1; plus strand). Cytogenetic location: 17q11.2.
Variant type: Deletion.
Coding change: c.1714del on transcript NM_001042492.3 (MANE Select); coding-DNA position 1714, one base deleted (G; older notation c.1714delG).
Protein change: p.Glu572fs; shifts the reading frame from glutamic acid 572.
Molecular consequence: frameshift variant.
Genome position (GRCh38, 1-based): chr17:31,221,922, G deleted; the last of 3 consecutive G bases (chr17:31,221,920-31,221,922); deleting any one gives the same sequence. VCF-style (leftmost placement, unchanged base first): chr17-31221919-TG-T. GRCh37 (hg19) VCF-style: chr17-29548937-TG-T.
Other names: c.1714delG (NM_000267.3); c.1714delG, p.Glu572Argfs (NM_000267.4); c.1714del, p.Glu572fs (NM_001128147.3); short protein forms E572fs.
Identifiers: ClinVar variation 233017 (VCV000233017.10), dbSNP rs876660135, ClinGen allele CA10580230.